The following is an entry in ClinVar:

NM_001042472.3(ABHD12):c.573+44T>C

Gene: ABHD12 (abhydrolase domain containing 12, lysophospholipase; minus strand). Cytogenetic location: 20p11.21.
Variant type: single nucleotide variant.
Coding change: c.573+44T>C on transcript NM_001042472.3 (MANE Select); 44 bases into the intron after coding-DNA position 573, T replaced by C.
Molecular consequence: intron variant.
Genome position (GRCh38, 1-based): chr20:25,317,004, A>G on the plus strand (T>C on the coding strand, the complement: ABHD12 is on the minus strand). VCF-style: chr20-25317004-A-G. GRCh37 (hg19) VCF-style: chr20-25297640-A-G.
Other names: c.573+44T>C (NM_015600.5).
Identifiers: ClinVar variation 676567 (VCV000676567.2), dbSNP rs41297630, ClinGen allele CA9796087.

ClinVar aggregate classification (germline): Likely benign. Review status: criteria provided, multiple submitters, no conflicts (2 of 4 stars). 2 submissions from 2 submitters: Likely benign (2). Last evaluated 2018-06-16.

Allele frequency attached by ClinVar (database versions not stated): 1000 Genomes Project 30x 0.00344; 1000 Genomes Project 0.00359; gnomAD exomes 0.00897; TOPMed 0.00956; ExAC 0.00987; gnomAD 0.00993 and 0.01043; ESP Exome Variant Server 0.01030.
gnomAD v4.1: 23,897 of 1,596,518 alleles (1.5%); highest among the groups gnomAD compares: Non-Finnish European, 1.9%; 270 homozygotes.

Submissions (2):

GeneDx
Classification: Likely benign. Last evaluated: 2018-06-16. Review status: criteria provided, single submitter. Criteria: GeneDx Variant Classification (06012015). Collection method: clinical testing. Allele origin: germline. Affected: yes.
Comment: This variant is considered likely benign or benign based on one or more of the following criteria: it is a conservative change, it occurs at a poorly conserved position in the protein, it is predicted to be benign by multiple in silico algorithms, and/or has population frequency not consistent with disease.

Breakthrough Genomics
Classification: Likely benign. Review status: criteria provided, single submitter. Criteria: ACMG Guidelines, 2015. Collection method: not provided. Allele origin: germline. Inheritance: Autosomal recessive inheritance. Affected: yes.